The following is an entry in ClinVar:

ClinVar aggregate classification (germline): Uncertain significance (1 of 4 stars; one submission).

Conditions:
WARS2-related disorder. Also called: WARS2 related condition; WARS2-related disorders.

Submission:

PreventionGenetics, part of Exact Sciences
Classification: Uncertain significance for WARS2-related condition. Last evaluated: 2026-03-17. Review status: criteria provided, single submitter. Criteria: ACMG Guidelines, 2015. Collection method: clinical testing. Allele origin: germline.
Comment: The WARS2 c.1070_1072delTGG variant is predicted to result in an in-frame deletion (p.Val357del). To our knowledge, this variant has not been reported in the literature or in a large population database (gnomAD), indicating this variant is rare. Although we suspect that this variant may be pathogenic, at this time, the clinical significance of this variant is uncertain due to the absence of conclusive functional and genetic evidence.

NM_015836.4(WARS2):c.1067TGG[1] (p.Val357del)

Gene: WARS2 (tryptophanyl tRNA synthetase 2, mitochondrial; minus strand). Cytogenetic location: 1p12.
Variant type: Microsatellite.
Coding change: c.1067TGG[1] on transcript NM_015836.4 (MANE Select); one copy of the 3-base unit TGG starting at c.1067; the reference has two copies in a row; one copy, 3 bases deleted.
Protein change: p.Val357del; deletes valine 357.
Molecular consequence: inframe deletion. On other transcripts: 3 prime UTR variant (2).
Genome position (GRCh38, 1-based): chr1:119,032,922-119,032,924, CCA deleted on the plus strand (TGG on the coding strand, the reverse complement: WARS2 is on the minus strand); deleting any 3 consecutive bases within chr1:119,032,922-119,032,927 gives the same sequence; the position shown is the placement nearest the transcript's 3' end. VCF-style (leftmost placement, unchanged base first): chr1-119032921-CCCA-C. GRCh37 (hg19) VCF-style: chr1-119575544-CCCA-C.
Other names: c.998TGG[1], p.Val334del (NM_001378226.1, NM_001378227.1); c.896TGG[1], p.Val300del (NM_001378228.1); c.809TGG[1], p.Val271del (NM_001378229.1); c.785TGG[1], p.Val263del (NM_001378230.1); c.*402TGG[1] (NM_001378231.1); c.*433TGG[1] (NM_201263.2); short protein forms V263del, V271del, V300del, V334del, V357del.
Identifiers: ClinVar variation 2629112 (VCV002629112.2), dbSNP rs2524934627, ClinGen allele CA2695199870.